The following is an entry in ClinVar:

NM_014989.7(RIMS1):c.1889G>A (p.Arg630Gln)

Gene: RIMS1 (regulating synaptic membrane exocytosis 1; plus strand). Cytogenetic location: 6q13.
Variant type: single nucleotide variant.
Coding change: c.1889G>A on transcript NM_014989.7 (MANE Select); coding-DNA position 1889, G replaced by A.
Protein change: p.Arg630Gln; replaces arginine 630 with glutamine.
Molecular consequence: missense variant.
Genome position (GRCh38, 1-based): chr6:72,237,854, G>A. VCF-style: chr6-72237854-G-A. GRCh37 (hg19) VCF-style: chr6-72947557-G-A.
Other names: c.311G>A, p.Arg104Gln (NM_001168407.2, NM_001168408.2, NM_001350414.2 and 37 more transcripts); c.68G>A, p.Arg23Gln (NM_001168409.2, NM_001350461.2, NM_001350463.2 and 6 more transcripts); c.266G>A, p.Arg89Gln (NM_001168410.2, NM_001350470.2, NM_001350472.2 and 2 more transcripts); c.242G>A, p.Arg81Gln (NM_001350421.2, NM_001350424.2, NM_001350428.2 and 6 more transcripts); c.1889G>A (NM_014989.4); short protein forms R104Q, R23Q, R630Q, R81Q, R89Q.
Identifiers: ClinVar variation 1018375 (VCV001018375.9), dbSNP rs1351490013, ClinGen allele CA364823787.

ClinVar aggregate classification (germline): Uncertain significance. Review status: criteria provided, multiple submitters, no conflicts (2 of 4 stars). 2 submissions from 2 submitters: Uncertain significance (2). Last evaluated 2025-04-25.

Allele frequency attached by ClinVar (database versions not stated): gnomAD 0.00001; gnomAD exomes 0.00001; TOPMed 0.00003.

Submissions (2):

Ambry Genetics
Classification: Uncertain significance. Last evaluated: 2025-04-25. Review status: criteria provided, single submitter. Criteria: Ambry Variant Classification Scheme 2023. Collection method: clinical testing. Allele origin: germline.

Labcorp Genetics (formerly Invitae), Labcorp
Classification: Uncertain significance. Last evaluated: 2022-06-13. Review status: criteria provided, single submitter. Criteria: Invitae Variant Classification Sherloc (09022015). Collection method: clinical testing. Allele origin: germline.
Comment: This variant is present in population databases (no rsID available, gnomAD 0.006%). This sequence change replaces arginine, which is basic and polar, with glutamine, which is neutral and polar, at codon 630 of the RIMS1 protein (p.Arg630Gln). In summary, the available evidence is currently insufficient to determine the role of this variant in disease. Therefore, it has been classified as a Variant of Uncertain Significance. Algorithms developed to predict the effect of missense changes on protein structure and function (SIFT, PolyPhen-2, Align-GVGD) all suggest that this variant is likely to be disruptive. ClinVar contains an entry for this variant (Variation ID: 1018375). This variant has not been reported in the literature in individuals affected with RIMS1-related conditions.